The following is an entry in ClinVar:

ClinVar aggregate classification (germline): Conflicting classifications of pathogenicity. Review status: criteria provided, conflicting classifications (1 of 4 stars). 2 submissions from 2 submitters: Uncertain significance (1); Likely benign (1). Last evaluated 2025-08-18.

Conditions:
Hereditary diffuse gastric adenocarcinoma (HDGC). Also called: DIFFUSE GASTRIC AND LOBULAR BREAST CANCER SYNDROME. Identifiers: Orphanet 26106, MedGen C1708349, MONDO:0007648, OMIM 137215.

gnomAD v4.1: 6 of 1,613,438 alleles (0.00037%); highest among the groups gnomAD compares: Non-Finnish European, 0.00051%; no homozygotes.

Submissions (2):

Labcorp Genetics (formerly Invitae), Labcorp
Classification: Uncertain significance for Hereditary diffuse gastric adenocarcinoma. Last evaluated: 2025-08-18. Review status: criteria provided, single submitter. Criteria: Invitae Variant Classification Sherloc (09022015). Collection method: clinical testing. Allele origin: germline.
Comment: This sequence change falls in intron 6 of the CDH1 gene. It does not directly change the encoded amino acid sequence of the CDH1 protein. It affects a nucleotide within the consensus splice site. This variant is not present in population databases (gnomAD no frequency). This variant has not been reported in the literature in individuals affected with CDH1-related conditions. ClinVar contains an entry for this variant (Variation ID: 577607). Variants that disrupt the consensus splice site are a relatively common cause of aberrant splicing (PMID: 17576681, 9536098). Algorithms developed to predict the effect of sequence changes on RNA splicing suggest that this variant is not likely to affect RNA splicing. In summary, the available evidence is currently insufficient to determine the role of this variant in disease. Therefore, it has been classified as a Variant of Uncertain Significance.

GeneDx
Classification: Likely benign. Last evaluated: 2018-06-20. Review status: criteria provided, single submitter. Criteria: GeneDx Variant Classification (06012015). Collection method: clinical testing. Allele origin: germline. Affected: yes.
Comment: This variant is considered likely benign or benign based on one or more of the following criteria: it is a conservative change, it occurs at a poorly conserved position in the protein, it is predicted to be benign by multiple in silico algorithms, and/or has population frequency not consistent with disease.

Literature cited by the submitters: PubMed 17576681 (cited by Labcorp Genetics (formerly Invitae), Labcorp); PubMed 9536098 (cited by Labcorp Genetics (formerly Invitae), Labcorp).

NM_004360.5(CDH1):c.832+6T>G

Gene: CDH1 (cadherin 1; plus strand). Cytogenetic location: 16q22.1.
Variant type: single nucleotide variant.
Coding change: c.832+6T>G on transcript NM_004360.5 (MANE Select); 6 bases into the intron after coding-DNA position 832, T replaced by G.
Molecular consequence: intron variant.
Genome position (GRCh38, 1-based): chr16:68,810,347, T>G. VCF-style: chr16-68810347-T-G. GRCh37 (hg19) VCF-style: chr16-68844250-T-G.
Other names: c.-784+6T>G (NM_001317185.2); c.-988+6T>G (NM_001317186.2); c.832+6T>G (NM_001317184.2, LRG_301t1).
Identifiers: ClinVar variation 577607 (VCV000577607.9), dbSNP rs1567505832, ClinGen allele CA891844133.
Genomic context (GRCh38, chr16:68,810,347, plus strand): 5'-CCCGAATTCACCCAGGAGGTCTTTAAGGGGTCTGTCATGGAAGGTGCTCTTCCAGGTATA[T>G]CCACTAATGAGAATCTGAATACTCAGAAAGACTCTTAGGTTCTTTGGACCCCAAAGTGTT-3'